The following is an entry in ClinVar:

NM_001377530.1(DMBT1):c.7025G>A (p.Arg2342His)

Genes: DMBT1 (deleted in malignant brain tumors 1; plus strand), LOC126861068 (BRD4-independent group 4 enhancer GRCh37_chr10:124398858-124400057; plus strand). Cytogenetic location: 10q26.13.
Variant type: single nucleotide variant.
Coding change: c.7025G>A on transcript NM_001377530.1 (MANE Select); coding-DNA position 7025, G replaced by A.
Protein change: p.Arg2342His; replaces arginine 2342 with histidine.
Molecular consequence: missense variant.
Genome position (GRCh38, 1-based): chr10:122,640,122, G>A. VCF-style: chr10-122640122-G-A. GRCh37 (hg19) VCF-style: chr10-124399638-G-A.
Other names: c.6635G>A, p.Arg2212His (NM_001320644.2); c.4754G>A, p.Arg1585His (NM_004406.3); c.6638G>A, p.Arg2213His (NM_007329.3); c.6608G>A, p.Arg2203His (NM_017579.3); short protein forms R1585H, R2203H, R2212H, R2213H, R2342H.
Identifiers: ClinVar variation 3035013 (VCV003035013.3), dbSNP rs144244700, ClinGen allele CA5728424.
Genomic context (GRCh38, chr10:122,640,122, plus strand): 5'-ATTCCAACTTCCTCACAGCAGCTGTCTCAGGTGGCATCATCAAGAGGAGGACAGACCTCC[G>A]TATTCACGTCAGCTGCAGAATGCTTCAGAACACCTGGGTCGACACCATGTACATTGCTAA-3'
Protein context (NP_001364459.1, residues 2332-2352): GGIIKRRTDL[Arg2342His]IHVSCRMLQN

ClinVar aggregate classification (germline): Likely benign. Review status: criteria provided, single submitter (1 of 4 stars). 2 submissions from 2 submitters: Likely benign (1). 1 of the submissions does not count toward it. Last evaluated 2025-08-11.

Conditions:
DMBT1-related disorder. Also called: DMBT1-related condition.

Allele frequency attached by ClinVar (database versions not stated): ESP Exome Variant Server 0.00330; TOPMed 0.00357; 1000 Genomes Project 0.00439; 1000 Genomes Project 30x 0.00468.
gnomAD v4.1: 1,235 of 1,614,044 alleles (0.077%); highest among the groups gnomAD compares: African/African-American, 0.93%; 5 homozygotes.

Submissions (2):

Ambry Genetics
Classification: Likely benign. Last evaluated: 2025-08-11. Review status: criteria provided, single submitter. Criteria: Ambry Variant Classification Scheme 2023. Collection method: clinical testing. Allele origin: germline.

PreventionGenetics, part of Exact Sciences
Classification: Benign for DMBT1-related condition. Last evaluated: 2019-10-03. Review status: no assertion criteria provided. Collection method: clinical testing. Allele origin: germline. Not counted in ClinVar's aggregate classification.
Comment: This variant is classified as benign based on ACMG/AMP sequence variant interpretation guidelines (Richards et al. 2015 PMID: 25741868, with internal and published modifications).